The following is an entry in ClinVar:

ClinVar aggregate classification (germline): Uncertain significance. Review status: criteria provided, multiple submitters, no conflicts (2 of 4 stars). 2 submissions from 2 submitters: Uncertain significance (2). Last evaluated 2024-11-07.

Conditions:
Inborn genetic diseases. Identifiers: MedGen C0950123, MeSH D030342.

Submissions (2):

Ambry Genetics
Classification: Uncertain significance for Inborn genetic diseases. Last evaluated: 2024-11-07. Review status: criteria provided, single submitter. Criteria: Ambry Variant Classification Scheme 2023. Collection method: clinical testing. Allele origin: germline.

GeneDx
Classification: Uncertain significance. Last evaluated: 2024-04-23. Review status: criteria provided, single submitter. Criteria: GeneDx Variant Classification Process June 2021. Collection method: clinical testing. Allele origin: germline. Affected: yes.
Comment: In silico analysis supports that this missense variant has a deleterious effect on protein structure/function; Has not been previously published as pathogenic or benign to our knowledge

NM_001080453.3(INTS1):c.4930C>T (p.Arg1644Trp)

Gene: INTS1 (integrator complex subunit 1; minus strand). Cytogenetic location: 7p22.3.
Variant type: single nucleotide variant.
Coding change: c.4930C>T on transcript NM_001080453.3 (MANE Select); coding-DNA position 4930, C replaced by T.
Protein change: p.Arg1644Trp; replaces arginine 1644 with tryptophan.
Molecular consequence: missense variant.
Genome position (GRCh38, 1-based): chr7:1,477,558, G>A on the plus strand (C>T on the coding strand, the complement: INTS1 is on the minus strand). VCF-style: chr7-1477558-G-A. GRCh37 (hg19) VCF-style: chr7-1517194-G-A.
Other names: short protein forms R1644W.
Identifiers: ClinVar variation 3371923 (VCV003371923.2).
Genomic context (GRCh38, chr7:1,477,558, plus strand): 5'-AAGAGCCTTTACCCTGGGGTGGGTCCCCGTGCTGAAGCTGGGTGCCACCCACCTTCCTCC[G>A]GGAGAAGAGCAGCCTGAGCTGCAGGTCGGGGCAGCTGCTGACCACCTCGGGGTCCAGCAT-3'
Protein context (NP_001073922.2, residues 1634-1654): PDLQLRLLFS[Arg1644Trp]RKGKGQAQVP